The following is an entry in ClinVar:

ClinVar aggregate classification (germline): Uncertain significance (1 of 4 stars; one submission).

Submission:

Ambry Genetics
Classification: Uncertain significance. Last evaluated: 2025-11-02. Review status: criteria provided, single submitter. Criteria: Ambry Variant Classification Scheme 2023. Collection method: clinical testing. Allele origin: germline.
Comment: The p.A222V variant (also known as c.665C>T), located in coding exon 5 of the GEN1 gene, results from a C to T substitution at nucleotide position 665. The alanine at codon 222 is replaced by valine, an amino acid with similar properties. This amino acid position is conserved. In addition, the in silico prediction for this alteration is inconclusive. Based on the available evidence, the clinical significance of this variant remains unclear.

NM_001130009.3(GEN1):c.665C>T (p.Ala222Val)

Gene: GEN1 (GEN1 structure-specific endonuclease; plus strand). Cytogenetic location: 2p24.2.
Variant type: single nucleotide variant.
Coding change: c.665C>T on transcript NM_001130009.3 (MANE Select); coding-DNA position 665, C replaced by T.
Protein change: p.Ala222Val; replaces alanine 222 with valine.
Molecular consequence: missense variant.
Genome position (GRCh38, 1-based): chr2:17,768,766, C>T. VCF-style: chr2-17768766-C-T. GRCh37 (hg19) VCF-style: chr2-17950033-C-T.
Other names: c.665C>T, p.Ala222Val (NM_182625.5); short protein forms A222V.
Identifiers: ClinVar variation 4671494 (VCV004671494.1).
Genomic context (GRCh38, chr2:17,768,766, plus strand): 5'-TTGGAATTATTTTTTTTCCCACTTTCTGAAAGGGAGTCCCTGGAGTTGGAAAAGAGCAAG[C>T]ATTAAAACTTATACAGATTTTGAAAGGGCAAAGTTTACTTCAGAGGTAACTAATAATTAC-3'
Protein context (NP_001123481.3, residues 212-232): KGVPGVGKEQ[Ala222Val]LKLIQILKGQ